The following is an entry in ClinVar:

NM_005751.5(AKAP9):c.11682G>T (p.Gln3894His)

Gene: AKAP9 (A-kinase anchoring protein 9; plus strand). Cytogenetic location: 7q21.2.
Variant type: single nucleotide variant.
Coding change: c.11682G>T on transcript NM_005751.5 (MANE Select); coding-DNA position 11682, G replaced by T.
Protein change: p.Gln3894His; replaces glutamine 3894 with histidine.
Molecular consequence: missense variant.
Genome position (GRCh38, 1-based): chr7:92,108,629, G>T. VCF-style: chr7-92108629-G-T. GRCh37 (hg19) VCF-style: chr7-91737943-G-T.
Other names: c.6327G>T, p.Gln2109His (NM_001379277.1); c.11658G>T, p.Gln3886His (NM_147185.3); short protein forms Q3894H, Q3886H, Q2109H.
Identifiers: ClinVar variation 427961 (VCV000427961.6), dbSNP rs769718964, ClinGen allele CA4338247.

ClinVar aggregate classification (germline): Uncertain significance. Review status: criteria provided, multiple submitters, no conflicts (2 of 4 stars). 3 submissions from 3 submitters: Uncertain significance (3). Last evaluated 2025-06-16.

Conditions:
Hypertrophic cardiomyopathy. Also called: HYPERTROPHIC MYOCARDIOPATHY. Identifiers: Orphanet 217569, MedGen C0007194, MeSH D002312, MONDO:0005045, HP:0001639.
Cardiovascular phenotype. Identifiers: MedGen CN230736.
Long QT syndrome (LQTS). Identifiers: MedGen C0023976, MeSH D008133, MONDO:0002442. Disease mechanism: loss of function. Inheritance: Various modes of inheritance.

Allele frequency attached by ClinVar (database versions not stated): TOPMed 0.00001.
gnomAD v4.1: 18 of 1,614,046 alleles (0.0011%); highest among the groups gnomAD compares: Non-Finnish European, 0.0015%; no homozygotes.

Submissions (3):

Labcorp Genetics (formerly Invitae), Labcorp
Classification: Uncertain significance for Long QT syndrome. Last evaluated: 2025-06-16. Review status: criteria provided, single submitter. Criteria: Invitae Variant Classification Sherloc (09022015). Collection method: clinical testing. Allele origin: germline.
Comment: This sequence change replaces glutamine, which is neutral and polar, with histidine, which is basic and polar, at codon 3894 of the AKAP9 protein (p.Gln3894His). This variant is present in population databases (rs769718964, gnomAD 0.002%). This variant has not been reported in the literature in individuals affected with AKAP9-related conditions. ClinVar contains an entry for this variant (Variation ID: 427961). An algorithm developed to predict the effect of missense changes on protein structure and function (PolyPhen-2) suggests that this variant is likely to be disruptive. In summary, the available evidence is currently insufficient to determine the role of this variant in disease. Therefore, it has been classified as a Variant of Uncertain Significance.

Ambry Genetics
Classification: Uncertain significance for Cardiovascular phenotype. Last evaluated: 2021-12-15. Review status: criteria provided, single submitter. Criteria: Ambry Variant Classification Scheme 2023. Collection method: clinical testing. Allele origin: germline.
Comment: The p.Q3894H variant (also known as c.11682G>T), located in coding exon 49 of the AKAP9 gene, results from a G to T substitution at nucleotide position 11682. The glutamine at codon 3894 is replaced by histidine, an amino acid with highly similar properties. This amino acid position is well conserved in available vertebrate species. In addition, this alteration is predicted to be tolerated by in silico analysis. The evidence for this gene-disease relationship is limited; therefore, the clinical significance of this alteration is unclear.

Center for Human Genetics, University of Leuven
Classification: Uncertain significance for Hypertrophic cardiomyopathy. Last evaluated: 2017-04-30. Review status: criteria provided, single submitter. Criteria: ACMG Guidelines, 2015. Collection method: clinical testing. Allele origin: germline. Inheritance: Autosomal dominant inheritance. Affected: yes.